The following is an entry in ClinVar:

NM_001114753.3(ENG):c.68-1G>C

Gene: ENG (endoglin; minus strand). Cytogenetic location: 9q34.11.
Variant type: single nucleotide variant.
Coding change: c.68-1G>C on transcript NM_001114753.3 (MANE Select); the canonical splice acceptor site of the intron before coding-DNA position 68, G replaced by C.
Molecular consequence: splice acceptor variant.
Genome position (GRCh38, 1-based): chr9:127,843,246, C>G on the plus strand (G>C on the coding strand, the complement: ENG is on the minus strand). VCF-style: chr9-127843246-C-G. GRCh37 (hg19) VCF-style: chr9-130605525-C-G.
Other names: c.68-1G>C (NM_000118.4, NM_001406715.1); c.-479-1G>C (NM_001278138.2).
Identifiers: ClinVar variation 4083490 (VCV004083490.1).

ClinVar aggregate classification (germline): Pathogenic (1 of 4 stars; one submission).

Conditions:
Telangiectasia, hereditary hemorrhagic, type 1 (HHT1). Also called: Osler Weber Rendu syndrome type 1; ENG-Related Hereditary Hemorrhagic Telangiectasia. Identifiers: Orphanet 774, MedGen C4551861, MONDO:0008535, OMIM 187300. Disease mechanism: loss of function.

Submission:

Clinical Genetics Laboratory, Skane University Hospital Lund
Classification: Pathogenic for Telangiectasia, hereditary hemorrhagic, type 1. Last evaluated: 2025-09-17. Review status: criteria provided, single submitter. Criteria: ACMG Guidelines, 2015. Collection method: clinical testing. Allele origin: germline. Affected: yes.
Comment: ACMG criteria used: PVS1, PS4_supporting, PM2_supporting, PP4_moderate